The following is an entry in ClinVar:

ClinVar aggregate classification (germline): Uncertain significance (1 of 4 stars; one submission).

Submission:

Labcorp Genetics (formerly Invitae), Labcorp
Classification: Uncertain significance. Last evaluated: 2025-08-30. Review status: criteria provided, single submitter. Criteria: Invitae Variant Classification Sherloc (09022015). Collection method: clinical testing. Allele origin: germline.
Comment: This sequence change replaces serine, which is neutral and polar, with threonine, which is neutral and polar, at codon 475 of the DRP2 protein (p.Ser475Thr). This variant is not present in population databases (gnomAD no frequency). This variant has not been reported in the literature in individuals affected with DRP2-related conditions. ClinVar contains an entry for this variant (Variation ID: 1957477). Invitae Evidence Modeling of protein sequence and biophysical properties (such as structural, functional, and spatial information, amino acid conservation, physicochemical variation, residue mobility, and thermodynamic stability) indicates that this missense variant is not expected to disrupt DRP2 protein function with a negative predictive value of 80%. In summary, the available evidence is currently insufficient to determine the role of this variant in disease. Therefore, it has been classified as a Variant of Uncertain Significance.

NM_001939.3(DRP2):c.1424G>C (p.Ser475Thr)

Gene: DRP2 (dystrophin related protein 2; plus strand). Cytogenetic location: Xq22.1.
Variant type: single nucleotide variant.
Coding change: c.1424G>C on transcript NM_001939.3 (MANE Select); coding-DNA position 1424, G replaced by C.
Protein change: p.Ser475Thr; replaces serine 475 with threonine.
Molecular consequence: missense variant.
Genome position (GRCh38, 1-based): chrX:101,248,260, G>C. VCF-style: chrX-101248260-G-C. GRCh37 (hg19) VCF-style: chrX-100503249-G-C.
Other names: c.1190G>C, p.Ser397Thr (NM_001171184.2); short protein forms S397T, S475T.
Identifiers: ClinVar variation 1957477 (VCV001957477.5), dbSNP rs6621017, ClinGen allele CA413926617.